The following is an entry in ClinVar:

ClinVar aggregate classification (germline): Pathogenic (1 of 4 stars; one submission).

Conditions:
Glycogen storage disease type III (GSD3). Also called: Cori disease; FORBES DISEASE. Identifiers: Orphanet 366, MedGen C0017922, MONDO:0009291, OMIM 232400.

Submission:

Labcorp Genetics (formerly Invitae), Labcorp
Classification: Pathogenic for Glycogen storage disease type III. Last evaluated: 2019-12-30. Review status: criteria provided, single submitter. Criteria: Invitae Variant Classification Sherloc (09022015). Collection method: clinical testing. Allele origin: germline.
Comment: For these reasons, this variant has been classified as Pathogenic. Loss-of-function variants in AGL are known to be pathogenic (PMID: 19299494). This variant has not been reported in the literature in individuals with AGL-related conditions. This variant is not present in population databases (ExAC no frequency). This sequence change creates a premature translational stop signal (p.Pro53Leufs*55) in the AGL gene. It is expected to result in an absent or disrupted protein product.

Literature cited by the submitters: PubMed 19299494.

NM_000642.3(AGL):c.158del (p.Pro53fs)

Gene: AGL (amylo-alpha-1,6-glucosidase and 4-alpha-glucanotransferase; plus strand). Cytogenetic location: 1p21.2.
Variant type: Deletion.
Coding change: c.158del on transcript NM_000642.3 (MANE Select); coding-DNA position 158, one base deleted (C; older notation c.158delC).
Protein change: p.Pro53fs; shifts the reading frame from proline 53.
Molecular consequence: frameshift variant.
Genome position (GRCh38, 1-based): chr1:99,861,578, C deleted; the last of 2 consecutive C bases (chr1:99,861,577-99,861,578); deleting either gives the same sequence. VCF-style (leftmost placement, unchanged base first): chr1-99861576-TC-T. GRCh37 (hg19) VCF-style: chr1-100327132-TC-T.
Other names: c.158delC, p.Pro53Leufs (NM_000028.3, NM_000643.3, NM_000644.3 and 5 more transcripts); c.110delC, p.Pro37Leufs (NM_000646.3); short protein forms P37fs, P53fs.
Identifiers: ClinVar variation 854913 (VCV000854913.8), dbSNP rs1650040391, ClinGen allele CA916082077.